The following is an entry in ClinVar:

ClinVar aggregate classification (germline): Uncertain significance. Review status: criteria provided, multiple submitters, no conflicts (2 of 4 stars). 2 submissions from 2 submitters: Uncertain significance (2). Last evaluated 2025-05-18.

Conditions:
Inborn genetic diseases. Identifiers: MedGen C0950123, MeSH D030342.

Allele frequency attached by ClinVar (database versions not stated): gnomAD 0.00001; gnomAD exomes 0.00001; TOPMed 0.00001.
gnomAD v4.1: 14 of 1,613,896 alleles (0.00087%); highest among the groups gnomAD compares: Non-Finnish European, 0.0012%; no homozygotes.

Submissions (2):

Ambry Genetics
Classification: Uncertain significance for Inborn genetic diseases. Last evaluated: 2025-05-18. Review status: criteria provided, single submitter. Criteria: Ambry Variant Classification Scheme 2023. Collection method: clinical testing. Allele origin: germline.

Women's Health and Genetics/Laboratory Corporation of America, LabCorp
Classification: Uncertain significance. Last evaluated: 2023-10-19. Review status: criteria provided, single submitter. Criteria: LabCorp Variant Classification Summary - May 2015. Collection method: clinical testing. Allele origin: germline.
Comment: Variant summary: USH2A c.3895A>G (p.Ser1299Gly) results in a non-conservative amino acid change located in the Fibronectin type III domain (IPR003961) of the encoded protein sequence. Three of five in-silico tools predict a damaging effect of the variant on protein function. The variant was absent in 250874 control chromosomes (gnomAD). The available data on variant occurrences in the general population are insufficient to allow any conclusion about variant significance. To our knowledge, no occurrence of c.3895A>G in individuals affected with Usher Syndrome and no experimental evidence demonstrating its impact on protein function have been reported. No submitters have cited clinical-significance assessments for this variant to ClinVar after 2014. Based on the evidence outlined above, the variant was classified as uncertain significance.

NM_206933.4(USH2A):c.3895A>G (p.Ser1299Gly)

Genes: USH2A (usherin; minus strand), USH2A-AS1 (USH2A antisense RNA 1; plus strand). Cytogenetic location: 1q41.
Variant type: single nucleotide variant.
Coding change: c.3895A>G on transcript NM_206933.4 (MANE Select); coding-DNA position 3895, A replaced by G.
Protein change: p.Ser1299Gly; replaces serine 1299 with glycine.
Molecular consequence: missense variant.
Genome position (GRCh38, 1-based): chr1:216,198,501, T>C on the plus strand (A>G on the coding strand, the complement: USH2A is on the minus strand). VCF-style: chr1-216198501-T-C. GRCh37 (hg19) VCF-style: chr1-216371843-T-C.
Other names: c.3895A>G, p.Ser1299Gly (NM_007123.6); c.3895A>G (NM_206933.2); short protein forms S1299G.
Identifiers: ClinVar variation 2637833 (VCV002637833.2), dbSNP rs1277192727, ClinGen allele CA344867237.